The following is an entry in ClinVar:

ClinVar aggregate classification (germline): Conflicting classifications of pathogenicity. Review status: criteria provided, conflicting classifications (1 of 4 stars). 14 submissions from 14 submitters: Uncertain significance (9); Likely benign (2). 3 of the submissions do not count toward it. Last evaluated 2025-07-25.

Conditions:
BBS12-related ciliopathy. Identifiers: MedGen CN378631, MONDO:1040045.
BBS12-related disorder. Also called: BBS12-related condition.
Bardet-Biedl syndrome 1 (BBS1). Identifiers: MedGen C2936862, MONDO:0008854, OMIM 209900. Disease mechanism: loss of function.
Bardet-Biedl syndrome (BBS). Identifiers: Orphanet 110, MedGen C0752166, MONDO:0015229.
Bardet-Biedl syndrome 12 (BBS12). Identifiers: Orphanet 110, MedGen C1859570, MONDO:0014440, OMIM 615989.

Allele frequency attached by ClinVar (database versions not stated): gnomAD 0.00047 and 0.00048; TOPMed 0.00054; gnomAD exomes 0.00055 and 0.00056; ExAC 0.00057; ESP Exome Variant Server 0.00077.
gnomAD v4.1: 894 of 1,614,064 alleles (0.055%); highest among the groups gnomAD compares: Middle Eastern, 0.25%; 2 homozygotes.

Submissions (14):

Myriad Genetics, Inc.
Classification: Uncertain significance for Bardet-Biedl syndrome 12. Last evaluated: 2025-07-25. Review status: criteria provided, single submitter. Criteria: Myriad Autosomal Dominant, Autosomal Recessive and X-Linked Classification Criteria (2023). Collection method: clinical testing. Allele origin: unknown.
Comment: NM_152618.2(BBS12):c.1859A>G(Q620R) is a missense variant classified as a variant of uncertain significance in the context of Bardet-Biedl syndrome, BBS12-related. Q620R has been observed in cases with relevant disease (PMID: 38928247, 25780760). Relevant functional assessments of this variant are not available in the literature. Q620R has been observed in referenced population frequency databases. In summary, there is insufficient evidence to classify NM_152618.2(BBS12):c.1859A>G(Q620R) as pathogenic or benign. Please note: this variant was assessed in the context of healthy population screening.

Blueprint Genetics
Classification: Likely benign. Last evaluated: 2024-11-23. Review status: criteria provided, single submitter. Criteria: ACMG Guidelines, 2015. Collection method: clinical testing. Allele origin: germline.

Fulgent Genetics
Classification: Likely benign for Bardet-Biedl syndrome 12. Last evaluated: 2024-05-06. Review status: criteria provided, single submitter. Criteria: ACMG Guidelines, 2015. Collection method: clinical testing. Allele origin: germline.

Department of Pathology and Laboratory Medicine, Sinai Health System
Classification: Uncertain significance for BBS12-related ciliopathy. Last evaluated: 2023-02-28. Review status: criteria provided, single submitter. Criteria: ACMG Guidelines, 2015. Collection method: research. Allele origin: germline.

Labcorp Genetics (formerly Invitae), Labcorp
Classification: Uncertain significance for Bardet-Biedl syndrome. Last evaluated: 2022-11-01. Review status: criteria provided, single submitter. Criteria: Invitae Variant Classification Sherloc (09022015). Collection method: clinical testing. Allele origin: germline.
Comment: This sequence change replaces glutamine, which is neutral and polar, with arginine, which is basic and polar, at codon 620 of the BBS12 protein (p.Gln620Arg). This variant is present in population databases (rs139278612, gnomAD 0.09%), and has an allele count higher than expected for a pathogenic variant. This missense change has been observed in individual(s) with Bardet-Biedl syndrome (PMID: 22773737). ClinVar contains an entry for this variant (Variation ID: 434490). Advanced modeling of protein sequence and biophysical properties (such as structural, functional, and spatial information, amino acid conservation, physicochemical variation, residue mobility, and thermodynamic stability) performed at Invitae indicates that this missense variant is expected to disrupt BBS12 protein function. In summary, the available evidence is currently insufficient to determine the role of this variant in disease. Therefore, it has been classified as a Variant of Uncertain Significance.

Genome-Nilou Lab
Classification: Uncertain significance for Bardet-Biedl syndrome 12. Last evaluated: 2021-07-14. Review status: criteria provided, single submitter. Criteria: ACMG Guidelines, 2015. Collection method: clinical testing. Allele origin: germline. Affected: no.

GeneDx
Classification: Uncertain significance. Last evaluated: 2021-01-06. Review status: criteria provided, single submitter. Criteria: GeneDx Variant Classification Process June 2021. Collection method: clinical testing. Allele origin: germline. Affected: yes.
Comment: Reported multiple times in the published literature, however association with disease is not well established (Redin et al., 2012; Griffith et al., 2018; Nozari et al., 2019); In silico analysis supports that this missense variant does not alter protein structure/function; This variant is associated with the following publications: (PMID: 30507091, 28945142, 22773737)

Illumina Laboratory Services, Illumina
Classification: Uncertain significance for Bardet-Biedl syndrome 12. Last evaluated: 2017-04-27. Review status: criteria provided, single submitter. Criteria: ICSL Variant Classification Criteria 13 December 2019. Collection method: clinical testing. Allele origin: germline.
Comment: This variant was observed as part of a predisposition screen in an ostensibly healthy population. A literature search was performed for the gene, cDNA change, and amino acid change (where applicable). Publications were found based on this search. However, the evidence from the literature, in combination with allele frequency data from public databases where available, was not sufficient to rule this variant in or out of causing disease. Therefore, this variant is classified as a variant of unknown significance.

Genetic Services Laboratory, University of Chicago
Classification: Uncertain significance. Last evaluated: 2016-12-23. Review status: criteria provided, single submitter. Criteria: ACMG Guidelines, 2015. Collection method: clinical testing. Allele origin: germline. Affected: no.

Clinical Genetics DNA and cytogenetics Diagnostics Lab, Erasmus MC, Erasmus Medical Center
Classification: Uncertain significance for Bardet-Biedl syndrome 1. Last evaluated: 2016-07-01. Review status: criteria provided, single submitter. Criteria: ACGS Guidelines, 2013. Collection method: clinical testing. Allele origin: germline. Affected: yes. Study: VKGL Data-share Consensus.

Breakthrough Genomics
Classification: Uncertain significance. Review status: criteria provided, single submitter. Criteria: ACMG Guidelines, 2015. Collection method: not provided. Allele origin: germline. Inheritance: Autosomal recessive inheritance. Affected: yes.

PreventionGenetics, part of Exact Sciences
Classification: Likely benign for BBS12-related condition. Last evaluated: 2023-12-06. Review status: no assertion criteria provided. Collection method: clinical testing. Allele origin: germline. Not counted in ClinVar's aggregate classification.
Comment: This variant is classified as likely benign based on ACMG/AMP sequence variant interpretation guidelines (Richards et al. 2015 PMID: 25741868, with internal and published modifications).

Natera, Inc.
Classification: Uncertain significance for Bardet-Biedl syndrome type 12. Last evaluated: 2020-01-16. Review status: no assertion criteria provided. Collection method: clinical testing. Allele origin: germline. Not counted in ClinVar's aggregate classification.

Clinical Genetics, Academic Medical Center
Classification: Uncertain significance. Review status: no assertion criteria provided. Collection method: clinical testing. Allele origin: germline. Affected: yes. Study: VKGL Data-share Consensus. Not counted in ClinVar's aggregate classification.

Literature cited by the submitters: PubMed 25780760 (cited by Myriad Genetics, Inc. and Illumina Laboratory Services, Illumina); PubMed 38928247 (cited by Myriad Genetics, Inc.); PubMed 22773737 (cited by Labcorp Genetics (formerly Invitae), Labcorp and Illumina Laboratory Services, Illumina).

NM_152618.3(BBS12):c.1859A>G (p.Gln620Arg)

Gene: BBS12 (Bardet-Biedl syndrome 12; plus strand). Cytogenetic location: 4q27.
Variant type: single nucleotide variant.
Coding change: c.1859A>G on transcript NM_152618.3 (MANE Select); coding-DNA position 1859, A replaced by G.
Protein change: p.Gln620Arg; replaces glutamine 620 with arginine.
Molecular consequence: missense variant.
Genome position (GRCh38, 1-based): chr4:122,743,751, A>G. VCF-style: chr4-122743751-A-G. GRCh37 (hg19) VCF-style: chr4-123664906-A-G.
Other names: c.1859A>G, p.Gln620Arg (NM_001178007.2); short protein forms Q620R.
Identifiers: ClinVar variation 434490 (VCV000434490.30), dbSNP rs139278612, ClinGen allele CA3069524.